The following is an entry in ClinVar:

NM_003098.3(SNTA1):c.1237G>A (p.Ala413Thr)

Gene: SNTA1 (syntrophin alpha 1; minus strand). Cytogenetic location: 20q11.21.
Variant type: single nucleotide variant.
Coding change: c.1237G>A on transcript NM_003098.3 (MANE Select); coding-DNA position 1237, G replaced by A.
Protein change: p.Ala413Thr; replaces alanine 413 with threonine.
Molecular consequence: missense variant.
Genome position (GRCh38, 1-based): chr20:33,410,135, C>T on the plus strand (G>A on the coding strand, the complement: SNTA1 is on the minus strand). VCF-style: chr20-33410135-C-T. GRCh37 (hg19) VCF-style: chr20-31997941-C-T.
Other names: short protein forms A413T.
Identifiers: ClinVar variation 1061644 (VCV001061644.9), dbSNP rs1989702879, ClinGen allele CA408630474.
Genomic context (GRCh38, chr20:33,410,135, plus strand): 5'-ATGCCCCTGGGGATAAGAGGCTTATTACCAGAGGGACACTCCCAGATCCTCCCAGCACAC[C>T]TGTAGACACCTCCTGCACACCCTCGGCGGCCCGGTGACAGCCATCCACAAGCTGGCGGGT-3'
Protein context (NP_003089.1, residues 403-423): AAEGVQEVST[Ala413Thr]CTWNGRPCSL

ClinVar aggregate classification (germline): Uncertain significance (1 of 4 stars; one submission).

Conditions:
Long QT syndrome (LQTS). Identifiers: MedGen C0023976, MeSH D008133, MONDO:0002442. Disease mechanism: loss of function. Inheritance: Various modes of inheritance.

Allele frequency attached by ClinVar (database versions not stated): gnomAD exomes 0.00001.

Submission:

Labcorp Genetics (formerly Invitae), Labcorp
Classification: Uncertain significance for Long QT syndrome. Last evaluated: 2024-11-17. Review status: criteria provided, single submitter. Criteria: Invitae Variant Classification Sherloc (09022015). Collection method: clinical testing. Allele origin: germline.
Comment: This sequence change replaces alanine, which is neutral and non-polar, with threonine, which is neutral and polar, at codon 413 of the SNTA1 protein (p.Ala413Thr). This variant is not present in population databases (gnomAD no frequency). This variant has not been reported in the literature in individuals affected with SNTA1-related conditions. ClinVar contains an entry for this variant (Variation ID: 1061644). An algorithm developed to predict the effect of missense changes on protein structure and function (PolyPhen-2) suggests that this variant is likely to be disruptive. Algorithms developed to predict the effect of sequence changes on RNA splicing suggest that this variant may disrupt the consensus splice site. In summary, the available evidence is currently insufficient to determine the role of this variant in disease. Therefore, it has been classified as a Variant of Uncertain Significance.